The following is an entry in ClinVar:

ClinVar aggregate classification (germline): Conflicting classifications of pathogenicity. Review status: criteria provided, conflicting classifications (1 of 4 stars). 6 submissions from 6 submitters: Likely pathogenic (1); Uncertain significance (5). Last evaluated 2026-03-02.

Conditions:
Combined immunodeficiency due to STIM1 deficiency. Also called: IMMUNODEFICIENCY 10; STIM1 DEFICIENCY. Identifiers: Orphanet 169090, Orphanet 317430, MedGen C2748557, MONDO:0013008, OMIM 612783.
Stormorken syndrome (STRMK). Also called: THROMBOCYTOPATHY, ASPLENIA, AND MIOSIS. Identifiers: Orphanet 3204, MedGen C1861451, MONDO:0008497, OMIM 185070.
Myopathy with tubular aggregates (TAM). Also called: Tubular Aggregate Myopathy. Identifiers: Orphanet 2593, MedGen C0410207, MONDO:0008051.
Inborn genetic diseases. Identifiers: MedGen C0950123, MeSH D030342.

Allele frequency attached by ClinVar (database versions not stated): 1000 Genomes Project 0.00020; gnomAD exomes 0.00004 and 0.00010; ExAC 0.00005; gnomAD 0.00005; TOPMed 0.00007; 1000 Genomes Project 30x 0.00016.
gnomAD v4.1: 154 of 1,614,198 alleles (0.0095%); highest among the groups gnomAD compares: Non-Finnish European, 0.012%; no homozygotes.

Submissions (6):

GeneDx
Classification: Uncertain significance. Last evaluated: 2026-03-02. Review status: criteria provided, single submitter. Criteria: GeneDx Variant Classification Process June 2021. Collection method: clinical testing. Allele origin: germline.
Comment: In silico analysis suggests that this missense variant does not alter protein structure/function; Reported in one UK Biobank (UKB) participant; however, detailed clinical information was not provided (PMID: 37647632); This variant is associated with the following publications: (PMID: 37647632)

Labcorp Genetics (formerly Invitae), Labcorp
Classification: Uncertain significance for Myopathy with tubular aggregates; Combined immunodeficiency due to STIM1 deficiency; Stormorken syndrome. Last evaluated: 2025-09-24. Review status: criteria provided, single submitter. Criteria: Invitae Variant Classification Sherloc (09022015). Collection method: clinical testing. Allele origin: germline.
Comment: This sequence change replaces arginine, which is basic and polar, with cysteine, which is neutral and slightly polar, at codon 530 of the STIM1 protein (p.Arg530Cys). This variant is present in population databases (rs142239530, gnomAD 0.007%). This variant has not been reported in the literature in individuals affected with STIM1-related conditions. ClinVar contains an entry for this variant (Variation ID: 461723). Invitae Evidence Modeling of protein sequence and biophysical properties (such as structural, functional, and spatial information, amino acid conservation, physicochemical variation, residue mobility, and thermodynamic stability) has been performed for this missense variant. However, the output from this modeling did not meet the statistical confidence thresholds required to predict the impact of this variant on STIM1 protein function. In summary, the available evidence is currently insufficient to determine the role of this variant in disease. Therefore, it has been classified as a Variant of Uncertain Significance.

Ambry Genetics
Classification: Uncertain significance for Inborn genetic diseases. Last evaluated: 2025-02-22. Review status: criteria provided, single submitter. Criteria: Ambry Variant Classification Scheme 2023. Collection method: clinical testing. Allele origin: germline.

Blueprint Genetics
Classification: Uncertain significance. Last evaluated: 2024-05-06. Review status: criteria provided, single submitter. Criteria: ACMG Guidelines, 2015. Collection method: clinical testing. Allele origin: germline.

Mayo Clinic Laboratories, Mayo Clinic
Classification: Uncertain significance. Last evaluated: 2019-07-07. Review status: criteria provided, single submitter. Criteria: ACMG Guidelines, 2015. Collection method: clinical testing. Allele origin: germline. Observed: 1 variant allele.

Undiagnosed Diseases Network, NIH
Classification: Likely pathogenic for Stormorken syndrome. Last evaluated: 2016-04-18. Review status: criteria provided, single submitter. Criteria: ACMG Guidelines, 2015. Collection method: clinical testing. Allele origin: de novo. Inheritance: Autosomal dominant inheritance. Affected: yes. Observed: 1 variant allele, 1 heterozygote.

NM_001382567.1(STIM1):c.1681C>T (p.Arg561Cys)

Gene: STIM1 (stromal interaction molecule 1; plus strand). Cytogenetic location: 11p15.4.
Variant type: single nucleotide variant.
Coding change: c.1681C>T on transcript NM_001382567.1 (MANE Select); coding-DNA position 1681, C replaced by T.
Protein change: p.Arg561Cys; replaces arginine 561 with cysteine.
Molecular consequence: missense variant. On other transcripts: 3 prime UTR variant (4), non-coding transcript variant (3).
Genome position (GRCh38, 1-based): chr11:4,091,328, C>T. VCF-style: chr11-4091328-C-T. GRCh37 (hg19) VCF-style: chr11-4112558-C-T.
Other names: c.1906C>T, p.Arg636Cys (NM_001277961.3); c.*2C>T (NM_001277962.2, NM_001382578.1, NM_001382579.1 and 1 more transcripts); c.1684C>T, p.Arg562Cys (NM_001382566.1); c.1609C>T, p.Arg537Cys (NM_001382568.1); c.1453C>T, p.Arg485Cys (NM_001382569.1); c.1360C>T, p.Arg454Cys (NM_001382570.1); c.1108C>T, p.Arg370Cys (NM_001382571.1); c.1366C>T, p.Arg456Cys (NM_001382575.1, NM_001382576.1, NM_001382577.1); and 2 more; short protein forms R530C, R636C, R367C, R370C, R454C, R456C, R485C, R537C.
Identifiers: ClinVar variation 461723 (VCV000461723.19), dbSNP rs142239530, ClinGen allele CA5830589.